The following is an entry in ClinVar:

ClinVar aggregate classification (germline): Uncertain significance (1 of 4 stars; one submission).

Conditions:
Thrombophilia due to protein S deficiency, autosomal dominant (THPH5). Identifiers: Orphanet 26349, Orphanet 743, MedGen C3278211, MONDO:0012868, OMIM 612336. Disease mechanism: loss of function.

Submission:

ISTH-SSC Genomics in Thrombosis and Hemostasis, KU Leuven, Center for Molecular and Vascular Biology
Classification: Uncertain significance for Thrombophilia due to protein S deficiency, autosomal dominant. Review status: criteria provided, single submitter. Criteria: ACMG Guidelines, 2015. Collection method: clinical testing. Allele origin: germline. Affected: yes. Observed: 1 heterozygote.
Comment: Submitted to the GoldVariant database by Kathleen Freson, Center for Molecular and Vascular Biology

NM_000313.4(PROS1):c.1916G>T (p.Cys639Phe)

Gene: PROS1 (protein S; minus strand). Cytogenetic location: 3q11.1.
Variant type: single nucleotide variant.
Coding change: c.1916G>T on transcript NM_000313.4 (MANE Select); coding-DNA position 1916, G replaced by T.
Protein change: p.Cys639Phe; replaces cysteine 639 with phenylalanine.
Molecular consequence: missense variant.
Genome position (GRCh38, 1-based): chr3:93,874,360, C>A on the plus strand (G>T on the coding strand, the complement: PROS1 is on the minus strand). VCF-style: chr3-93874360-C-A. GRCh37 (hg19) VCF-style: chr3-93593204-C-A.
Other names: c.2012G>T, p.Cys671Phe (NM_001314077.2); short protein forms C639F, C671F.
Identifiers: ClinVar variation 2572141 (VCV002572141.1), dbSNP rs1576170616, ClinGen allele CA353669961.